The following is an entry in ClinVar:

ClinVar aggregate classification (germline): Uncertain significance. Review status: criteria provided, multiple submitters, no conflicts (2 of 4 stars). 3 submissions from 3 submitters: Uncertain significance (3). Last evaluated 2025-12-09.

Conditions:
Familial cancer of breast. Also called: BREAST CANCER, FAMILIAL; Hereditary breast cancer; hereditary breast carcinoma. Identifiers: Orphanet 227535, MedGen C0346153, MONDO:0016419, OMIM 114480. Disease mechanism: loss of function.
Hereditary cancer-predisposing syndrome. Also called: Neoplastic Syndromes, Hereditary; Tumor predisposition; Hereditary neoplastic syndrome; Hereditary Cancer Syndrome. Identifiers: Orphanet 140162, MedGen C0027672, MeSH D009386, MONDO:0015356.

Submissions (3):

Labcorp Genetics (formerly Invitae), Labcorp
Classification: Uncertain significance for Familial cancer of breast. Last evaluated: 2025-12-09. Review status: criteria provided, single submitter. Criteria: Invitae Variant Classification Sherloc (09022015). Collection method: clinical testing. Allele origin: germline.
Comment: This sequence change replaces serine, which is neutral and polar, with glycine, which is neutral and non-polar, at codon 652 of the PALB2 protein (p.Ser652Gly). This variant is not present in population databases (gnomAD no frequency). This variant has not been reported in the literature in individuals affected with PALB2-related conditions. ClinVar contains an entry for this variant (Variation ID: 628356). Invitae Evidence Modeling of protein sequence and biophysical properties (such as structural, functional, and spatial information, amino acid conservation, physicochemical variation, residue mobility, and thermodynamic stability) indicates that this missense variant is not expected to disrupt PALB2 protein function with a negative predictive value of 80%. In summary, the available evidence is currently insufficient to determine the role of this variant in disease. Therefore, it has been classified as a Variant of Uncertain Significance.

Ambry Genetics
Classification: Uncertain significance for Hereditary cancer-predisposing syndrome. Last evaluated: 2024-11-01. Review status: criteria provided, single submitter. Criteria: Ambry Variant Classification Scheme 2023. Collection method: clinical testing. Allele origin: germline.
Comment: The p.S652G variant (also known as c.1954A>G), located in coding exon 5 of the PALB2 gene, results from an A to G substitution at nucleotide position 1954. The serine at codon 652 is replaced by glycine, an amino acid with similar properties. This amino acid position is conserved. In addition, this alteration is predicted to be tolerated by in silico analysis. Since supporting evidence is limited at this time, the clinical significance of this alteration remains unclear.

Color Diagnostics, LLC DBA Color Health
Classification: Uncertain significance for Hereditary cancer-predisposing syndrome. Last evaluated: 2018-11-13. Review status: criteria provided, single submitter. Criteria: ACMG Guidelines, 2015. Collection method: clinical testing. Allele origin: germline.

NM_024675.4(PALB2):c.1954A>G (p.Ser652Gly)

Gene: PALB2 (partner and localizer of BRCA2; minus strand). Cytogenetic location: 16p12.2.
Variant type: single nucleotide variant.
Coding change: c.1954A>G on transcript NM_024675.4 (MANE Select); coding-DNA position 1954, A replaced by G.
Protein change: p.Ser652Gly; replaces serine 652 with glycine.
Molecular consequence: missense variant.
Genome position (GRCh38, 1-based): chr16:23,630,200, T>C on the plus strand (A>G on the coding strand, the complement: PALB2 is on the minus strand). VCF-style: chr16-23630200-T-C. GRCh37 (hg19) VCF-style: chr16-23641521-T-C.
Other names: short protein forms S652G.
Identifiers: ClinVar variation 628356 (VCV000628356.7), dbSNP rs1567218401, ClinGen allele CA395127382.
Genomic context (GRCh38, chr16:23,630,200, plus strand): 5'-CTAAGTCCTCCATTTCTGTATCCATGCGTTTAGGACTCAGTTCCTCTGGAAAAATACAGC[T>C]TCCCTCTTTAAGATGTCTCTCTCCAAACATTTTTGACTCAAAGGGCTCCACTGGTTTTTC-3'
Protein context (NP_078951.2, residues 642-662): MFGERHLKEG[Ser652Gly]CIFPEELSPK